The following is an entry in ClinVar:

ClinVar aggregate classification (germline): Uncertain significance (1 of 4 stars; one submission).

Conditions:
Glycogen storage disease, type II (IOPD). Also called: Pompe Disease; CARDIOMEGALIA GLYCOGENICA DIFFUSA; GLYCOGENOSIS, GENERALIZED, CARDIAC FORM; GSD II; POMPE DISEASE, INFANTILE-ONSET; GLYCOGEN STORAGE DISEASE II, INFANTILE-ONSET. Identifiers: Orphanet 365, MedGen C0017921, MONDO:0009290, OMIM 232300.

Submission:

Genomenon, Inc
Classification: Uncertain significance for Glycogen storage disease, type II. Last evaluated: 2026-07-01. Review status: criteria provided, single submitter. Criteria: Genomenon Sequence Variant Interpretation Standards - Updated. Collection method: curation. Allele origin: germline. Affected: yes.
Comment: GAA c.2647-1G>C is a canonical splice variant affecting the acceptor splice site of intron 18. It is predicted to affect mRNA splicing, leading to a deleterious effect on the GAA protein. This variant has been observed in at least one proband with a GAA-related disorder in the compound heterozygous and/or homozygous state (PMID:25626711). It is absent or not present at a significant frequency in gnomAD. In conclusion, we classify GAA c.2647-1G>C as a variant of uncertain significance.

Literature cited by the submitters: PubMed 25626711.

NM_000152.5(GAA):c.2647-1G>C

Gene: GAA (alpha glucosidase; plus strand). Cytogenetic location: 17q25.3.
Variant type: single nucleotide variant.
Coding change: c.2647-1G>C on transcript NM_000152.5 (MANE Select); the canonical splice acceptor site of the intron before coding-DNA position 2647, G replaced by C.
Molecular consequence: splice acceptor variant.
Genome position (GRCh38, 1-based): chr17:80,118,652, G>C. VCF-style: chr17-80118652-G-C. GRCh37 (hg19) VCF-style: chr17-78092451-G-C.
Other names: c.2647-1G>C (NM_001079804.3, NM_001406741.1, NM_001406742.1 and 1 more transcripts).
Identifiers: ClinVar variation 4876391 (VCV004876391.1).